The following is an entry in ClinVar:

NM_198076.6(COX20):c.107A>G (p.Tyr36Cys)

Gene: COX20 (cytochrome c oxidase assembly factor COX20; plus strand). Cytogenetic location: 1q44.
Variant type: single nucleotide variant.
Coding change: c.107A>G on transcript NM_198076.6 (MANE Select); coding-DNA position 107, A replaced by G.
Protein change: p.Tyr36Cys; replaces tyrosine 36 with cysteine.
Molecular consequence: missense variant. On other transcripts: non-coding transcript variant (1), intron variant (1).
Genome position (GRCh38, 1-based): chr1:244,842,008, A>G. VCF-style: chr1-244842008-A-G. GRCh37 (hg19) VCF-style: chr1-245005310-A-G.
Other names: c.107A>G, p.Tyr36Cys (NM_001312871.1, NM_001312874.1); c.143A>G, p.Tyr48Cys (NM_001312872.1); c.23-187A>G (NM_001312873.1); short protein forms Y36C, Y48C.
Identifiers: ClinVar variation 1801139 (VCV001801139.2), dbSNP rs754328791, ClinGen allele CA1486091.
Genomic context (GRCh38, chr1:244,842,008, plus strand): 5'-TTAAGCTCCTAGGATTTTTAGATGTTGAAAATACTCCCTGCGCCCGGCATTCAATATTGT[A>G]TGGTTCATTAGGATCTGTTGTGGCTGGCTTTGGACATTTTTTGTTCACTAGTGAGTATCT-3'
Protein context (NP_932342.1, residues 26-46): NTPCARHSIL[Tyr36Cys]GSLGSVVAGF

ClinVar aggregate classification (germline): Uncertain significance. Review status: criteria provided, multiple submitters, no conflicts (2 of 4 stars). 2 submissions from 2 submitters: Uncertain significance (2). Last evaluated 2025-08-21.

Allele frequency attached by ClinVar (database versions not stated): TOPMed 0.00001; gnomAD 0.00002; gnomAD exomes 0.00002; ExAC 0.00003.

Submissions (2):

Labcorp Genetics (formerly Invitae), Labcorp
Classification: Uncertain significance. Last evaluated: 2025-08-21. Review status: criteria provided, single submitter. Criteria: Invitae Variant Classification Sherloc (09022015). Collection method: clinical testing. Allele origin: germline.
Comment: This sequence change replaces tyrosine, which is neutral and polar, with cysteine, which is neutral and slightly polar, at codon 36 of the COX20 protein (p.Tyr36Cys). This variant is present in population databases (rs754328791, gnomAD 0.03%). This variant has not been reported in the literature in individuals affected with COX20-related conditions. ClinVar contains an entry for this variant (Variation ID: 1801139). An algorithm developed to predict the effect of missense changes on protein structure and function (PolyPhen-2) suggests that this variant is likely to be tolerated. In summary, the available evidence is currently insufficient to determine the role of this variant in disease. Therefore, it has been classified as a Variant of Uncertain Significance.

GeneDx
Classification: Uncertain significance. Last evaluated: 2022-05-27. Review status: criteria provided, single submitter. Criteria: GeneDx Variant Classification Process June 2021. Collection method: clinical testing. Allele origin: germline. Affected: yes.
Comment: In silico analysis supports that this missense variant has a deleterious effect on protein structure/function; Has not been previously published as pathogenic or benign to our knowledge